The following is an entry in ClinVar:

NM_016579.4(CD320):c.96G>C (p.Glu32Asp)

Gene: CD320 (CD320 molecule; minus strand). Cytogenetic location: 19p13.2.
Variant type: single nucleotide variant.
Coding change: c.96G>C on transcript NM_016579.4 (MANE Select); coding-DNA position 96, G replaced by C.
Protein change: p.Glu32Asp; replaces glutamic acid 32 with aspartic acid.
Molecular consequence: missense variant.
Genome position (GRCh38, 1-based): chr19:8,308,195, C>G on the plus strand (G>C on the coding strand, the complement: CD320 is on the minus strand). VCF-style: chr19-8308195-C-G. GRCh37 (hg19) VCF-style: chr19-8373079-C-G.
Other names: c.96G>C, p.Glu32Asp (NM_001165895.2); short protein forms E32D.
Identifiers: ClinVar variation 2006695 (VCV002006695.4), dbSNP rs2512604305, ClinGen allele CA403718509.

ClinVar aggregate classification (germline): Uncertain significance (1 of 4 stars; one submission).

Conditions:
Methylmalonic acidemia due to transcobalamin receptor defect (MATR). Also called: METHYLMALONIC ACIDEMIA, TCblR TYPE; METHYLMALONIC ACIDURIA, TRANSIENT, DUE TO TRANSCOBALAMIN RECEPTOR DEFECT. Identifiers: Orphanet 280183, MedGen C4749905, MONDO:0013341, OMIM 613646.

Submission:

Labcorp Genetics (formerly Invitae), Labcorp
Classification: Uncertain significance for Methylmalonic acidemia due to transcobalamin receptor defect. Last evaluated: 2022-06-20. Review status: criteria provided, single submitter. Criteria: Invitae Variant Classification Sherloc (09022015). Collection method: clinical testing. Allele origin: germline.
Comment: In summary, the available evidence is currently insufficient to determine the role of this variant in disease. Therefore, it has been classified as a Variant of Uncertain Significance. Algorithms developed to predict the effect of missense changes on protein structure and function are either unavailable or do not agree on the potential impact of this missense change (SIFT: "Tolerated"; PolyPhen-2: "Possibly Damaging"; Align-GVGD: "Class C0"). This variant has not been reported in the literature in individuals affected with CD320-related conditions. This variant is not present in population databases (gnomAD no frequency). This sequence change replaces glutamic acid, which is acidic and polar, with aspartic acid, which is acidic and polar, at codon 32 of the CD320 protein (p.Glu32Asp).